The following is an entry in ClinVar:

NM_004407.4(DMP1):c.79T>C (p.Ser27Pro)

Genes: DMP1-AS1 (DMP1 and DSPP antisense RNA 1; minus strand), DMP1 (dentin matrix acidic phosphoprotein 1; plus strand). Cytogenetic location: 4q22.1.
Variant type: single nucleotide variant.
Coding change: c.79T>C on transcript NM_004407.4 (MANE Select); coding-DNA position 79, T replaced by C.
Protein change: p.Ser27Pro; replaces serine 27 with proline.
Molecular consequence: missense variant.
Genome position (GRCh38, 1-based): chr4:87,657,056, T>C. VCF-style: chr4-87657056-T-C. GRCh37 (hg19) VCF-style: chr4-88578208-T-C.
Other names: p.Ser27Pro; c.79T>C, p.Ser27Pro (NM_001079911.3); short protein forms S27P.
Identifiers: ClinVar variation 752888 (VCV000752888.12), dbSNP rs150105108, ClinGen allele CA3001931.

ClinVar aggregate classification (germline): Likely benign. Review status: criteria provided, multiple submitters, no conflicts (2 of 4 stars). 4 submissions from 4 submitters: Likely benign (3). 1 of the submissions does not count toward it. Last evaluated 2026-04-10.

Conditions:
DMP1-related disorder. Also called: DMP1-related condition.

Allele frequency attached by ClinVar (database versions not stated): gnomAD 0.00017 and 0.00018; TOPMed 0.00017; 1000 Genomes Project 0.00020; gnomAD exomes 0.00022; ExAC 0.00028; ESP Exome Variant Server 0.00015; 1000 Genomes Project 30x 0.00016.
gnomAD v4.1: 92 of 1,557,750 alleles (0.0059%); highest among the groups gnomAD compares: East Asian, 0.13%; no homozygotes.

Submissions (4):

Women's Health and Genetics/Laboratory Corporation of America, LabCorp
Classification: Likely benign. Last evaluated: 2026-04-10. Review status: criteria provided, single submitter. Criteria: LabCorp Variant Classification Summary - May 2015. Collection method: clinical testing. Allele origin: germline.
Comment: Variant summary: DMP1 c.79T>C (p.Ser27Pro) results in a non-conservative amino acid change in the encoded protein sequence. Algorithms developed to predict the effect of missense changes on protein structure and function are either unavailable or do not agree on the potential impact of this missense change. The variant allele was found at a frequency of 0.00022 in 250142 control chromosomes, predominantly at a frequency of 0.0027 within the East Asian subpopulation in the gnomAD database. The observed variant frequency within East Asian control individuals in the gnomAD database exceeds the estimated maximal expected allele frequency for disease-causing variants in DMP1. To our knowledge, no occurrence of c.79T>C in individuals affected with DMP1-related conditions and no experimental evidence demonstrating its impact on protein function have been reported. ClinVar contains an entry for this variant (Variation ID: 752888). Based on the evidence outlined above, the variant was classified as likely benign.

Mayo Clinic Laboratories, Mayo Clinic
Classification: Likely benign. Last evaluated: 2025-08-07. Review status: criteria provided, single submitter. Criteria: ACMG Guidelines, 2015. Collection method: clinical testing. Allele origin: germline. Observed: 1 variant allele.
Comment: BS1, BP4

Labcorp Genetics (formerly Invitae), Labcorp
Classification: Likely benign. Last evaluated: 2025-05-27. Review status: criteria provided, single submitter. Criteria: Invitae Variant Classification Sherloc (09022015). Collection method: clinical testing. Allele origin: germline.

PreventionGenetics, part of Exact Sciences
Classification: Likely benign for DMP1-related condition. Last evaluated: 2023-05-15. Review status: no assertion criteria provided. Collection method: clinical testing. Allele origin: germline. Not counted in ClinVar's aggregate classification.
Comment: This variant is classified as likely benign based on ACMG/AMP sequence variant interpretation guidelines (Richards et al. 2015 PMID: 25741868, with internal and published modifications).